The following is an entry in ClinVar:

ClinVar aggregate classification (germline): Uncertain significance. Review status: criteria provided, multiple submitters, no conflicts (2 of 4 stars). 2 submissions from 2 submitters: Uncertain significance (2). Last evaluated 2024-05-12.

Allele frequency attached by ClinVar (database versions not stated): gnomAD 0.00001; ExAC 0.00002.
gnomAD v4.1: 42 of 1,614,066 alleles (0.0026%); highest among the groups gnomAD compares: Non-Finnish European, 0.0031%; no homozygotes.

Submissions (2):

Labcorp Genetics (formerly Invitae), Labcorp
Classification: Uncertain significance. Last evaluated: 2024-05-12. Review status: criteria provided, single submitter. Criteria: Invitae Variant Classification Sherloc (09022015). Collection method: clinical testing. Allele origin: germline.
Comment: This sequence change replaces aspartic acid, which is acidic and polar, with glycine, which is neutral and non-polar, at codon 506 of the NPAT protein (p.Asp506Gly). This variant is present in population databases (rs758240289, gnomAD 0.004%). This variant has not been reported in the literature in individuals affected with NPAT-related conditions. ClinVar contains an entry for this variant (Variation ID: 1774331). Algorithms developed to predict the effect of missense changes on protein structure and function output the following: SIFT: "Not Available"; PolyPhen-2: "Benign"; Align-GVGD: "Not Available". The glycine amino acid residue is found in multiple mammalian species, which suggests that this missense change does not adversely affect protein function. In summary, the available evidence is currently insufficient to determine the role of this variant in disease. Therefore, it has been classified as a Variant of Uncertain Significance.

Ambry Genetics
Classification: Uncertain significance. Last evaluated: 2023-08-26. Review status: criteria provided, single submitter. Criteria: Ambry Variant Classification Scheme 2023. Collection method: clinical testing. Allele origin: germline.
Comment: The p.D506G variant (also known as c.1517A>G), located in coding exon 13 of the NPAT gene, results from an A to G substitution at nucleotide position 1517. The aspartic acid at codon 506 is replaced by glycine, an amino acid with similar properties. This amino acid position is conserved. In addition, this alteration is predicted to be tolerated by in silico analysis. Since supporting evidence is limited at this time, the clinical significance of this alteration remains unclear.

NM_002519.3(NPAT):c.1517A>G (p.Asp506Gly)

Gene: NPAT (nuclear protein, coactivator of histone transcription; minus strand). Cytogenetic location: 11q22.3.
Variant type: single nucleotide variant.
Coding change: c.1517A>G on transcript NM_002519.3 (MANE Select); coding-DNA position 1517, A replaced by G.
Protein change: p.Asp506Gly; replaces aspartic acid 506 with glycine.
Molecular consequence: missense variant.
Genome position (GRCh38, 1-based): chr11:108,173,467, T>C on the plus strand (A>G on the coding strand, the complement: NPAT is on the minus strand). VCF-style: chr11-108173467-T-C. GRCh37 (hg19) VCF-style: chr11-108044194-T-C.
Other names: c.1517A>G, p.Asp506Gly (NM_001321307.1); short protein forms D506G.
Identifiers: ClinVar variation 1774331 (VCV001774331.8), dbSNP rs758240289, ClinGen allele CA6263975.